The following is an entry in ClinVar:

NM_005228.5(EGFR):c.448T>C (p.Phe150Leu)

Gene: EGFR (epidermal growth factor receptor; plus strand). Cytogenetic location: 7p11.2.
Variant type: single nucleotide variant.
Coding change: c.448T>C on transcript NM_005228.5 (MANE Select); coding-DNA position 448, T replaced by C.
Protein change: p.Phe150Leu; replaces phenylalanine 150 with leucine.
Molecular consequence: missense variant. On other transcripts: intron variant (3).
Genome position (GRCh38, 1-based): chr7:55,146,629, T>C. VCF-style: chr7-55146629-T-C. GRCh37 (hg19) VCF-style: chr7-55214322-T-C.
Other names: c.448T>C, p.Phe150Leu (NM_001346898.2, NM_201282.2, NM_201283.2 and 1 more transcripts); c.289T>C, p.Phe97Leu (NM_001346900.2); c.424+3141T>C (NM_001346899.2, NM_001346897.2); c.89-9201T>C (NM_001346941.2); c.448T>C (NM_005228.3); short protein forms F150L, F97L.
Identifiers: ClinVar variation 1054187 (VCV001054187.10), dbSNP rs1398462122, ClinGen allele CA367576505.

ClinVar aggregate classification (germline): Uncertain significance. Review status: criteria provided, multiple submitters, no conflicts (2 of 4 stars). 2 submissions from 2 submitters: Uncertain significance (2). Last evaluated 2025-04-11.

Conditions:
EGFR-related lung cancer (EGFR). Identifiers: MedGen CN130014.
Hereditary cancer-predisposing syndrome. Also called: Hereditary Cancer Syndrome; Tumor predisposition; Hereditary neoplastic syndrome; Neoplastic Syndromes, Hereditary. Identifiers: Orphanet 140162, MedGen C0027672, MeSH D009386, MONDO:0015356.

Allele frequency attached by ClinVar (database versions not stated): gnomAD exomes below 0.00001; TOPMed below 0.00001; gnomAD 0.00001.
gnomAD v4.1: 2 of 1,613,996 alleles (0.00012%); highest among the groups gnomAD compares: Non-Finnish European, 0.00017%; no homozygotes.

Submissions (2):

Ambry Genetics
Classification: Uncertain significance for Hereditary cancer-predisposing syndrome. Last evaluated: 2025-04-11. Review status: criteria provided, single submitter. Criteria: Ambry Variant Classification Scheme 2023. Collection method: clinical testing. Allele origin: germline.
Comment: The p.F150L variant (also known as c.448T>C), located in coding exon 4 of the EGFR gene, results from a T to C substitution at nucleotide position 448. The phenylalanine at codon 150 is replaced by leucine, an amino acid with highly similar properties. This amino acid position is conserved. In addition, this alteration is predicted to be tolerated by in silico analysis. Based on the available evidence, the clinical significance of this variant remains unclear.

Labcorp Genetics (formerly Invitae), Labcorp
Classification: Uncertain significance for EGFR-related lung cancer. Last evaluated: 2020-08-30. Review status: criteria provided, single submitter. Criteria: Invitae Variant Classification Sherloc (09022015). Collection method: clinical testing. Allele origin: germline.
Comment: This sequence change replaces phenylalanine with leucine at codon 150 of the EGFR protein (p.Phe150Leu). The phenylalanine residue is moderately conserved and there is a small physicochemical difference between phenylalanine and leucine. This variant is not present in population databases (ExAC no frequency). This variant has not been reported in the literature in individuals with EGFR-related conditions. Algorithms developed to predict the effect of missense changes on protein structure and function (SIFT, PolyPhen-2, Align-GVGD) all suggest that this variant is likely to be tolerated, but these predictions have not been confirmed by published functional studies and their clinical significance is uncertain. In summary, the available evidence is currently insufficient to determine the role of this variant in disease. Therefore, it has been classified as a Variant of Uncertain Significance.